The following is an entry in ClinVar:

ClinVar aggregate classification (germline): Pathogenic (1 of 4 stars; one submission).

Submission:

Labcorp Genetics (formerly Invitae), Labcorp
Classification: Pathogenic. Last evaluated: 2020-12-02. Review status: criteria provided, single submitter. Criteria: Invitae Variant Classification Sherloc (09022015). Collection method: clinical testing. Allele origin: germline.
Comment: This sequence change creates a premature translational stop signal (p.Gly457*) in the ABCC8 gene. It is expected to result in an absent or disrupted protein product. Loss-of-function variants in ABCC8 are known to be pathogenic (PMID: 20685672, 23345197). This variant is not present in population databases (ExAC no frequency). This variant has not been reported in the literature in individuals with ABCC8-related conditions. For these reasons, this variant has been classified as Pathogenic.

Literature cited by the submitters: PubMed 20685672; PubMed 23345197.

NM_000352.6(ABCC8):c.1369G>T (p.Gly457Ter)

Gene: ABCC8 (ATP binding cassette subfamily C member 8; minus strand). Cytogenetic location: 11p15.1.
Variant type: single nucleotide variant.
Coding change: c.1369G>T on transcript NM_000352.6 (MANE Select); coding-DNA position 1369, G replaced by T.
Protein change: p.Gly457Ter; replaces glycine 457 with a stop codon.
Molecular consequence: nonsense. On other transcripts: non-coding transcript variant (1).
Genome position (GRCh38, 1-based): chr11:17,443,276, C>A on the plus strand (G>T on the coding strand, the complement: ABCC8 is on the minus strand). VCF-style: chr11-17443276-C-A. GRCh37 (hg19) VCF-style: chr11-17464823-C-A.
Other names: c.1369G>T, p.Gly457Ter (NM_001287174.3, NM_001351295.2); c.1366G>T, p.Gly456Ter (NM_001351296.2, NM_001351297.2); short protein forms G456*, G457*.
Identifiers: ClinVar variation 1368654 (VCV001368654.6), dbSNP rs771959876, ClinGen allele CA379767190.
Genomic context (GRCh38, chr11:17,443,276, plus strand): 5'-CGAAGTACTGGACAGGAGCCAGTAGAATGATGACAGCTGCTCCAATTAAGGCACTGACTC[C>A]GAGTATGTAGTAGAGGAGAATCACACCCACAATGATCTGAGGAAGGGGTCATGGGTCAGG-3'